The following is an entry in ClinVar:

NM_001004334.4(GPR179):c.2843T>A (p.Leu948Gln)

Gene: GPR179 (G protein-coupled receptor 179; minus strand). Cytogenetic location: 17q12.
Variant type: single nucleotide variant.
Coding change: c.2843T>A on transcript NM_001004334.4 (MANE Select); coding-DNA position 2843, T replaced by A.
Protein change: p.Leu948Gln; replaces leucine 948 with glutamine.
Molecular consequence: missense variant.
Genome position (GRCh38, 1-based): chr17:38,330,726, A>T on the plus strand (T>A on the coding strand, the complement: GPR179 is on the minus strand). VCF-style: chr17-38330726-A-T. GRCh37 (hg19) VCF-style: chr17-36486609-A-T.
Other names: short protein forms L948Q.
Identifiers: ClinVar variation 2070058 (VCV002070058.4), dbSNP rs2037347826, ClinGen allele CA398882381.

ClinVar aggregate classification (germline): Uncertain significance (1 of 4 stars; one submission).

Submission:

Labcorp Genetics (formerly Invitae), Labcorp
Classification: Uncertain significance. Last evaluated: 2022-01-02. Review status: criteria provided, single submitter. Criteria: Invitae Variant Classification Sherloc (09022015). Collection method: clinical testing. Allele origin: germline.
Comment: In summary, the available evidence is currently insufficient to determine the role of this variant in disease. Therefore, it has been classified as a Variant of Uncertain Significance. Algorithms developed to predict the effect of sequence changes on RNA splicing suggest that this variant may create or strengthen a splice site. Algorithms developed to predict the effect of missense changes on protein structure and function are either unavailable or do not agree on the potential impact of this missense change (SIFT: "Deleterious"; PolyPhen-2: "Possibly Damaging"; Align-GVGD: "Class C0"). This variant has not been reported in the literature in individuals affected with GPR179-related conditions. This variant is not present in population databases (gnomAD no frequency). This sequence change replaces leucine, which is neutral and non-polar, with glutamine, which is neutral and polar, at codon 948 of the GPR179 protein (p.Leu948Gln).